The following is an entry in ClinVar:

ClinVar aggregate classification (germline): Conflicting classifications of pathogenicity. Review status: criteria provided, conflicting classifications (1 of 4 stars). 2 submissions from 2 submitters: Uncertain significance (1); Likely benign (1). Last evaluated 2025-05-18.

Allele frequency attached by ClinVar (database versions not stated): gnomAD 0.00001; gnomAD exomes 0.00001 and 0.00002; TOPMed 0.00001; ExAC 0.00003; 1000 Genomes Project 0.00020; 1000 Genomes Project 30x 0.00031.
gnomAD v4.1: 12 of 1,614,234 alleles (0.00074%); highest among the groups gnomAD compares: East Asian, 0.02%; no homozygotes.

Submissions (2):

Labcorp Genetics (formerly Invitae), Labcorp
Classification: Likely benign. Last evaluated: 2025-05-18. Review status: criteria provided, single submitter. Criteria: Invitae Variant Classification Sherloc (09022015). Collection method: clinical testing. Allele origin: germline.

GeneDx
Classification: Uncertain significance. Last evaluated: 2025-04-16. Review status: criteria provided, single submitter. Criteria: GeneDx Variant Classification Process June 2021. Collection method: clinical testing. Allele origin: germline. Affected: yes.
Comment: In silico analysis indicates that this variant does not alter splicing; Has not been previously published as pathogenic or benign to our knowledge

NM_057176.3(BSND):c.465G>A (p.Gln155=)

Gene: BSND (barttin CLCNK type accessory subunit beta; plus strand). Cytogenetic location: 1p32.3.
Variant type: single nucleotide variant.
Coding change: c.465G>A on transcript NM_057176.3 (MANE Select); coding-DNA position 465, G replaced by A.
Protein change: p.Gln155=; no amino-acid change (glutamine 155 retained).
Molecular consequence: synonymous variant.
Genome position (GRCh38, 1-based): chr1:55,007,189, G>A. VCF-style: chr1-55007189-G-A. GRCh37 (hg19) VCF-style: chr1-55472862-G-A.
Identifiers: ClinVar variation 763966 (VCV000763966.10), dbSNP rs540317305, ClinGen allele CA871341.